The following is an entry in ClinVar:

NM_000343.4(SLC5A1):c.1256A>G (p.Glu419Gly)

Gene: SLC5A1 (solute carrier family 5 member 1; plus strand). Cytogenetic location: 22q12.3.
Variant type: single nucleotide variant.
Coding change: c.1256A>G on transcript NM_000343.4 (MANE Select); coding-DNA position 1256, A replaced by G.
Protein change: p.Glu419Gly; replaces glutamic acid 419 with glycine.
Molecular consequence: missense variant.
Genome position (GRCh38, 1-based): chr22:32,091,738, A>G. VCF-style: chr22-32091738-A-G. GRCh37 (hg19) VCF-style: chr22-32487725-A-G.
Other names: c.875A>G, p.Glu292Gly (NM_001256314.2); short protein forms E419G, E292G.
Identifiers: ClinVar variation 1419974 (VCV001419974.8), dbSNP rs1414911182, ClinGen allele CA411308910.

ClinVar aggregate classification (germline): Uncertain significance (1 of 4 stars; one submission).

Conditions:
Congenital glucose-galactose malabsorption (GGM). Also called: MONOSACCHARIDE MALABSORPTION; DIARRHEA 16. Identifiers: Orphanet 35710, MedGen C0268186, MONDO:0011731, OMIM 606824.

Allele frequency attached by ClinVar (database versions not stated): gnomAD 0.00001.
gnomAD v4.1: 32 of 1,613,890 alleles (0.002%); highest among the groups gnomAD compares: Non-Finnish European, 0.0025%; no homozygotes.

Submission:

Labcorp Genetics (formerly Invitae), Labcorp
Classification: Uncertain significance for Congenital glucose-galactose malabsorption. Last evaluated: 2020-11-16. Review status: criteria provided, single submitter. Criteria: Invitae Variant Classification Sherloc (09022015). Collection method: clinical testing. Allele origin: germline.
Comment: This variant has not been reported in the literature in individuals with SLC5A1-related conditions. This sequence change replaces glutamic acid with glycine at codon 419 of the SLC5A1 protein (p.Glu419Gly). The glutamic acid residue is highly conserved and there is a moderate physicochemical difference between glutamic acid and glycine. This variant is not present in population databases (ExAC no frequency). Algorithms developed to predict the effect of missense changes on protein structure and function (SIFT, PolyPhen-2, Align-GVGD) all suggest that this variant is likely to be disruptive, but these predictions have not been confirmed by published functional studies and their clinical significance is uncertain. In summary, the available evidence is currently insufficient to determine the role of this variant in disease. Therefore, it has been classified as a Variant of Uncertain Significance.